The following is an entry in ClinVar:

ClinVar aggregate classification (germline): Uncertain significance (1 of 4 stars; one submission).

Conditions:
Developmental and epileptic encephalopathy, 23 (DEE23). Also called: Epileptic encephalopathy, early infantile, 23. Identifiers: Orphanet 411986, MedGen C4014492, MONDO:0014371, OMIM 615859.

Allele frequency attached by ClinVar (database versions not stated): gnomAD 0.00003; TOPMed 0.00005.
gnomAD v4.1: 8 of 1,613,820 alleles (0.0005%); highest among the groups gnomAD compares: African/African-American, 0.0093%; no homozygotes.

Submission:

Labcorp Genetics (formerly Invitae), Labcorp
Classification: Uncertain significance for Developmental and epileptic encephalopathy, 23. Last evaluated: 2022-02-22. Review status: criteria provided, single submitter. Criteria: Invitae Variant Classification Sherloc (09022015). Collection method: clinical testing. Allele origin: germline.
Comment: This sequence change replaces aspartic acid, which is acidic and polar, with histidine, which is basic and polar, at codon 903 of the DOCK7 protein (p.Asp903His). This variant is present in population databases (no rsID available, gnomAD 0.008%). This variant has not been reported in the literature in individuals affected with DOCK7-related conditions. ClinVar contains an entry for this variant (Variation ID: 660742). Algorithms developed to predict the effect of missense changes on protein structure and function are either unavailable or do not agree on the potential impact of this missense change (SIFT: "Deleterious"; PolyPhen-2: "Probably Damaging"; Align-GVGD: "Class C0"). In summary, the available evidence is currently insufficient to determine the role of this variant in disease. Therefore, it has been classified as a Variant of Uncertain Significance.

NM_001367561.1(DOCK7):c.2707G>C (p.Asp903His)

Gene: DOCK7 (dedicator of cytokinesis 7; minus strand). Cytogenetic location: 1p31.3.
Variant type: single nucleotide variant.
Coding change: c.2707G>C on transcript NM_001367561.1 (MANE Select); coding-DNA position 2707, G replaced by C.
Protein change: p.Asp903His; replaces aspartic acid 903 with histidine.
Molecular consequence: missense variant.
Genome position (GRCh38, 1-based): chr1:62,552,791, C>G on the plus strand (G>C on the coding strand, the complement: DOCK7 is on the minus strand). VCF-style: chr1-62552791-C-G. GRCh37 (hg19) VCF-style: chr1-63018462-C-G.
Other names: c.2707G>C, p.Asp903His (NM_001271999.2, NM_001272000.2, NM_001272001.2 and 2 more transcripts); short protein forms D903H.
Identifiers: ClinVar variation 660742 (VCV000660742.8), dbSNP rs759007079, ClinGen allele CA340620035.